The following is an entry in ClinVar:

ClinVar aggregate classification (germline): Uncertain significance (1 of 4 stars; one submission).

Conditions:
Familial temporal lobe epilepsy 7. Identifiers: Orphanet 101046, MedGen C4225327, MONDO:0014639, OMIM 616436.
Norman-Roberts syndrome (LIS2). Also called: Lissencephaly 2 (Norman-Roberts type). Identifiers: Orphanet 89844, MedGen C0796089, MONDO:0009760, OMIM 257320.

Submission:

Labcorp Genetics (formerly Invitae), Labcorp
Classification: Uncertain significance for Familial temporal lobe epilepsy 7; Norman-Roberts syndrome. Last evaluated: 2024-03-22. Review status: criteria provided, single submitter. Criteria: Invitae Variant Classification Sherloc (09022015). Collection method: clinical testing. Allele origin: germline.
Comment: This sequence change replaces cysteine, which is neutral and slightly polar, with serine, which is neutral and polar, at codon 243 of the RELN protein (p.Cys243Ser). This variant is not present in population databases (gnomAD no frequency). This variant has not been reported in the literature in individuals affected with RELN-related conditions. Advanced modeling of protein sequence and biophysical properties (such as structural, functional, and spatial information, amino acid conservation, physicochemical variation, residue mobility, and thermodynamic stability) performed at Invitae indicates that this missense variant is not expected to disrupt RELN protein function with a negative predictive value of 80%. In summary, the available evidence is currently insufficient to determine the role of this variant in disease. Therefore, it has been classified as a Variant of Uncertain Significance.

NM_005045.4(RELN):c.728G>C (p.Cys243Ser)

Gene: RELN (reelin; minus strand). Cytogenetic location: 7q22.1.
Variant type: single nucleotide variant.
Coding change: c.728G>C on transcript NM_005045.4 (MANE Select); coding-DNA position 728, G replaced by C.
Protein change: p.Cys243Ser; replaces cysteine 243 with serine.
Molecular consequence: missense variant.
Genome position (GRCh38, 1-based): chr7:103,728,136, C>G on the plus strand (G>C on the coding strand, the complement: RELN is on the minus strand). VCF-style: chr7-103728136-C-G. GRCh37 (hg19) VCF-style: chr7-103368583-C-G.
Other names: c.728G>C, p.Cys243Ser (NM_173054.3); short protein forms C243S.
Identifiers: ClinVar variation 3755467 (VCV003755467.2).